The following is an entry in ClinVar:

ClinVar aggregate classification (germline): Uncertain significance (1 of 4 stars; one submission).

Submission:

GeneDx
Classification: Uncertain significance. Last evaluated: 2021-06-10. Review status: criteria provided, single submitter. Criteria: GeneDx Variant Classification Process June 2021. Collection method: clinical testing. Allele origin: germline. Affected: yes.
Comment: Not observed in large population cohorts (Lek 2016); Has not been previously published as pathogenic or benign to our knowledge; In-silico analysis is inconclusive as to whether the variant alters gene splicing. In the absence of RNA/functional studies, the actual effect of this sequence change is unknown.; This variant is associated with the following publications: (PMID: 27535533)

NM_018062.4(FANCL):c.156-8A>G

Gene: FANCL (FA complementation group L; minus strand). Cytogenetic location: 2p16.1.
Variant type: single nucleotide variant.
Coding change: c.156-8A>G on transcript NM_018062.4 (MANE Select); 8 bases into the intron before coding-DNA position 156, A replaced by G.
Molecular consequence: intron variant.
Genome position (GRCh38, 1-based): chr2:58,229,882, T>C on the plus strand (A>G on the coding strand, the complement: FANCL is on the minus strand). VCF-style: chr2-58229882-T-C. GRCh37 (hg19) VCF-style: chr2-58457017-T-C.
Other names: c.156-8A>G (NM_001374615.1, NM_001114636.2, NM_001410792.1).
Identifiers: ClinVar variation 1328742 (VCV001328742.2), dbSNP rs878855045, ClinGen allele CA2573051995.